The following is an entry in ClinVar:

ClinVar aggregate classification (germline): Uncertain significance (1 of 4 stars; one submission).

Allele frequency attached by ClinVar (database versions not stated): gnomAD 0.00004; TOPMed 0.00005.
gnomAD v4.1: 32 of 1,614,032 alleles (0.002%); highest among the groups gnomAD compares: Middle Eastern, 0.016%; no homozygotes.

Submission:

GeneDx
Classification: Uncertain significance. Last evaluated: 2023-12-06. Review status: criteria provided, single submitter. Criteria: GeneDx Variant Classification Process June 2021. Collection method: clinical testing. Allele origin: germline. Affected: yes.
Comment: In silico analysis supports that this missense variant has a deleterious effect on protein structure/function; Has not been previously published as pathogenic or benign to our knowledge

NM_015378.4(VPS13D):c.2791G>A (p.Val931Ile)

Gene: VPS13D (vacuolar protein sorting 13 homolog D; plus strand). Cytogenetic location: 1p36.22.
Variant type: single nucleotide variant.
Coding change: c.2791G>A on transcript NM_015378.4 (MANE Select); coding-DNA position 2791, G replaced by A.
Protein change: p.Val931Ile; replaces valine 931 with isoleucine.
Molecular consequence: missense variant.
Genome position (GRCh38, 1-based): chr1:12,276,379, G>A. VCF-style: chr1-12276379-G-A. GRCh37 (hg19) VCF-style: chr1-12336436-G-A.
Other names: c.2791G>A, p.Val931Ile (NM_018156.4); short protein forms V931I.
Identifiers: ClinVar variation 2505886 (VCV002505886.2), dbSNP rs766919272, ClinGen allele CA601864.